The following is an entry in ClinVar:

ClinVar aggregate classification (germline): Uncertain significance (1 of 4 stars; one submission).

Submission:

Labcorp Genetics (formerly Invitae), Labcorp
Classification: Uncertain significance. Last evaluated: 2024-10-09. Review status: criteria provided, single submitter. Criteria: Invitae Variant Classification Sherloc (09022015). Collection method: clinical testing. Allele origin: germline.
Comment: This sequence change replaces valine, which is neutral and non-polar, with methionine, which is neutral and non-polar, at codon 223 of the TNFRSF11A protein (p.Val223Met). This variant is not present in population databases (gnomAD no frequency). This variant has not been reported in the literature in individuals affected with TNFRSF11A-related conditions. Invitae Evidence Modeling of protein sequence and biophysical properties (such as structural, functional, and spatial information, amino acid conservation, physicochemical variation, residue mobility, and thermodynamic stability) has been performed for this missense variant. However, the output from this modeling did not meet the statistical confidence thresholds required to predict the impact of this variant on TNFRSF11A protein function. In summary, the available evidence is currently insufficient to determine the role of this variant in disease. Therefore, it has been classified as a Variant of Uncertain Significance.

NM_003839.4(TNFRSF11A):c.667G>A (p.Val223Met)

Gene: TNFRSF11A (TNF receptor superfamily member 11a; plus strand). Cytogenetic location: 18q21.33.
Variant type: single nucleotide variant.
Coding change: c.667G>A on transcript NM_003839.4 (MANE Select); coding-DNA position 667, G replaced by A.
Protein change: p.Val223Met; replaces valine 223 with methionine.
Molecular consequence: missense variant. On other transcripts: intron variant (1).
Genome position (GRCh38, 1-based): chr18:62,361,730, G>A. VCF-style: chr18-62361730-G-A. GRCh37 (hg19) VCF-style: chr18-60028963-G-A.
Other names: c.667G>A, p.Val223Met (NM_001270949.2, NM_001270950.2); c.625G>A, p.Val209Met (NM_001278268.2); c.616+1681G>A (NM_001270951.2); short protein forms V209M, V223M.
Identifiers: ClinVar variation 3667137 (VCV003667137.2).